The following is an entry in ClinVar:

NM_201384.3(PLEC):c.12557C>T (p.Ser4186Leu)

Gene: PLEC (plectin; minus strand). Cytogenetic location: 8q24.3.
Variant type: single nucleotide variant.
Coding change: c.12557C>T on transcript NM_201384.3 (MANE Select); coding-DNA position 12557, C replaced by T.
Protein change: p.Ser4186Leu; replaces serine 4186 with leucine.
Molecular consequence: missense variant.
Genome position (GRCh38, 1-based): chr8:143,917,264, G>A on the plus strand (C>T on the coding strand, the complement: PLEC is on the minus strand). VCF-style: chr8-143917264-G-A. GRCh37 (hg19) VCF-style: chr8-144991432-G-A.
Other names: c.12638C>T, p.Ser4213Leu (NM_000445.5); c.9257C>T, p.Ser3086Leu (NM_001410941.1); c.12515C>T, p.Ser4172Leu (NM_201378.4); c.12491C>T, p.Ser4164Leu (NM_201379.3); c.12968C>T, p.Ser4323Leu (NM_201380.4); c.12461C>T, p.Ser4154Leu (NM_201381.3); c.12557C>T, p.Ser4186Leu (NM_201382.4); c.12569C>T, p.Ser4190Leu (NM_201383.3); and 1 more; short protein forms S4154L, S4186L, S4190L, S4213L, S3086L, S4164L, S4172L, S4323L.
Identifiers: ClinVar variation 2924119 (VCV002924119.4), dbSNP rs782741797, ClinGen allele CA4924057.

ClinVar aggregate classification (germline): Uncertain significance. Review status: criteria provided, multiple submitters, no conflicts (2 of 4 stars). 2 submissions from 2 submitters: Uncertain significance (2). Last evaluated 2023-09-25.

Conditions:
Epidermolysis bullosa simplex with nail dystrophy (EBS5D). Identifiers: MedGen C4225309, MONDO:0014661, OMIM 616487.
Epidermolysis bullosa simplex, Ogna type (EBS5A). Also called: EPIDERMOLYSIS BULLOSA SIMPLEX 5A, OGNA TYPE; Pidermolysis bullosa simplex 5A, Ogna type. Identifiers: Orphanet 79401, MedGen C0432317, MONDO:0007555, OMIM 131950.
Epidermolysis bullosa simplex 5C, with pyloric atresia (EBS5C). Also called: PLEC1-Related Epidermolysis Bullosa with Pyloric Atresia; PLEC-Related Epidermolysis Bullosa with Pyloric Atresia; Epidermolysis bullosa simplex with pyloric atresia. Identifiers: Orphanet 158684, MedGen C2677349, MONDO:0012807, OMIM 612138.
Autosomal recessive limb-girdle muscular dystrophy type 2Q (LGMDR17). Also called: MUSCULAR DYSTROPHY, LIMB-GIRDLE, AUTOSOMAL RECESSIVE 17. Identifiers: Orphanet 254361, MedGen C3150989, MONDO:0013390, OMIM 613723.
Epidermolysis bullosa simplex 5B, with muscular dystrophy (EBS5B). Also called: EPIDERMOLYSIS BULLOSA SIMPLEX AND LIMB-GIRDLE MUSCULAR DYSTROPHY; Epidermolysis bullosa simplex with muscular dystrophy. Identifiers: Orphanet 257, MedGen C2931072, MONDO:0009181, OMIM 226670.
Inborn genetic diseases. Identifiers: MedGen C0950123, MeSH D030342.

Allele frequency attached by ClinVar (database versions not stated): gnomAD 0.00001; gnomAD exomes 0.00002; TOPMed 0.00002; ExAC 0.00003.

Submissions (2):

Ambry Genetics
Classification: Uncertain significance for Inborn genetic diseases. Last evaluated: 2023-09-25. Review status: criteria provided, single submitter. Criteria: Ambry Variant Classification Scheme 2023. Collection method: clinical testing. Allele origin: germline.

Labcorp Genetics (formerly Invitae), Labcorp
Classification: Uncertain significance for Autosomal recessive limb-girdle muscular dystrophy type 2Q; Epidermolysis bullosa simplex, Ogna type; Epidermolysis bullosa simplex with nail dystrophy; Epidermolysis bullosa simplex 5C, with pyloric atresia; Epidermolysis bullosa simplex 5B, with muscular dystrophy. Last evaluated: 2023-06-25. Review status: criteria provided, single submitter. Criteria: Invitae Variant Classification Sherloc (09022015). Collection method: clinical testing. Allele origin: germline.
Comment: In summary, the available evidence is currently insufficient to determine the role of this variant in disease. Therefore, it has been classified as a Variant of Uncertain Significance. Advanced modeling of protein sequence and biophysical properties (such as structural, functional, and spatial information, amino acid conservation, physicochemical variation, residue mobility, and thermodynamic stability) performed at Invitae indicates that this missense variant is expected to disrupt PLEC protein function. This variant has not been reported in the literature in individuals affected with PLEC-related conditions. This variant is present in population databases (rs782741797, gnomAD 0.006%). This sequence change replaces serine, which is neutral and polar, with leucine, which is neutral and non-polar, at codon 4213 of the PLEC protein (p.Ser4213Leu).